The following is an entry in ClinVar:

ClinVar aggregate classification (germline): Pathogenic (1 of 4 stars; one submission).

Conditions:
Hereditary breast ovarian cancer syndrome. Also called: Breast and ovarian cancer; BRCA1- and BRCA2-Associated Hereditary Breast and Ovarian Cancer; Hereditary breast and ovarian cancer; Hereditary breast and/or ovarian cancer syndrome; Hereditary breast and ovarian cancer syndrome; Hereditary breast and ovarian cancer syndrome (HBOC). Identifiers: Orphanet 145, MedGen C0677776, MeSH D061325, MONDO:0003582. Disease mechanism: loss of function.

Submission:

Labcorp Genetics (formerly Invitae), Labcorp
Classification: Pathogenic for Hereditary breast ovarian cancer syndrome. Last evaluated: 2018-11-21. Review status: criteria provided, single submitter. Criteria: Invitae Variant Classification Sherloc (09022015). Collection method: clinical testing. Allele origin: germline.
Comment: For these reasons, this variant has been classified as Pathogenic. Loss-of-function variants in BRCA2 are known to be pathogenic (PMID: 20104584). This variant has not been reported in the literature in individuals with BRCA2-related disease. This variant is not present in population databases (ExAC no frequency). This sequence change creates a premature translational stop signal (p.Pro2276Serfs*5) in the BRCA2 gene. It is expected to result in an absent or disrupted protein product.

Literature cited by the submitters: PubMed 20104584.

NM_000059.4(BRCA2):c.6824_6825dup (p.Pro2276fs)

Gene: BRCA2 (BRCA2 DNA repair associated; plus strand). Cytogenetic location: 13q13.1.
Variant type: Microsatellite.
Coding change: c.6824_6825dup on transcript NM_000059.4 (MANE Select); coding-DNA positions 6824 to 6825, 2 bases duplicated (AG; older notation c.6824_6825dupAG).
Protein change: p.Pro2276fs; shifts the reading frame from proline 2276.
Molecular consequence: frameshift variant.
Genome position (GRCh38, 1-based): chr13:32,341,179-32,341,180, AG duplicated; duplicating any 2 consecutive bases within chr13:32,341,176-32,341,180 gives the same sequence; the c. name uses the placement nearest the transcript's 3' end. VCF-style (leftmost placement, unchanged base first): chr13-32341175-G-GGA. GRCh37 (hg19) VCF-style: chr13-32915312-G-GGA.
Other names: c.6824_6825dupAG (NM_000059.3); short protein forms P2276fs.
Identifiers: ClinVar variation 653597 (VCV000653597.7), dbSNP rs1593909892, ClinGen allele CA915948512.
Genomic context (GRCh38, chr13:32,341,175, plus strand): 5'-TTTACATGTCCCGAAAATGAGGAAATGGTTTTGTCAAATTCAAGAATTGGAAAAAGAAGA[G>GGA]GAGAGCCCCTTATCTTAGTGGGTAAGTGTTCATTTTTACCTTTCGTGTTGCCAATCACTA-3'